The following is an entry in ClinVar:

NM_000059.4(BRCA2):c.6841+1G>A

Gene: BRCA2 (BRCA2 DNA repair associated; plus strand). Cytogenetic location: 13q13.1.
Variant type: single nucleotide variant.
Coding change: c.6841+1G>A on transcript NM_000059.4 (MANE Select); the canonical splice donor site of the intron after coding-DNA position 6841, G replaced by A.
Molecular consequence: splice donor variant. On other transcripts: intron variant (2).
Genome position (GRCh38, 1-based): chr13:32,341,197, G>A. VCF-style: chr13-32341197-G-A. GRCh37 (hg19) VCF-style: chr13-32915334-G-A.
Other names: c.6841+1G>A (NM_001406720.1, NM_001406719.1); c.1910-3361G>A (NM_001406721.1); c.425-3361G>A (NM_001406722.1).
Identifiers: ClinVar variation 658498 (VCV000658498.14), dbSNP rs773863936, ClinGen allele CA6940991.

ClinVar aggregate classification (germline): Likely pathogenic. Review status: criteria provided, multiple submitters, no conflicts (2 of 4 stars). 3 submissions from 3 submitters: Likely pathogenic (3). Last evaluated 2026-01-13.

Conditions:
Hereditary cancer-predisposing syndrome. Also called: Neoplastic Syndromes, Hereditary; Hereditary neoplastic syndrome; Tumor predisposition; Hereditary Cancer Syndrome. Identifiers: Orphanet 140162, MedGen C0027672, MeSH D009386, MONDO:0015356.
Hereditary breast ovarian cancer syndrome. Also called: Hereditary breast and/or ovarian cancer syndrome; Breast and ovarian cancer; Hereditary breast and ovarian cancer; Hereditary breast and ovarian cancer syndrome (HBOC); Hereditary breast and ovarian cancer syndrome; BRCA1- and BRCA2-Associated Hereditary Breast and Ovarian Cancer. Identifiers: Orphanet 145, MedGen C0677776, MeSH D061325, MONDO:0003582. Disease mechanism: loss of function.

Allele frequency attached by ClinVar (database versions not stated): gnomAD exomes below 0.00001; ExAC 0.00001.
gnomAD v4.1: 2 of 1,613,848 alleles (0.00012%); highest among the groups gnomAD compares: South Asian, 0.0011%; no homozygotes.

Submissions (3):

Ambry Genetics
Classification: Likely pathogenic for Hereditary cancer-predisposing syndrome. Last evaluated: 2026-01-13. Review status: criteria provided, single submitter. Criteria: Ambry Variant Classification Scheme 2023. Collection method: clinical testing. Allele origin: germline.
Comment: The c.6841+1G>A intronic variant results from a G to A substitution one nucleotide after coding exon 10 of the BRCA2 gene. Alterations that disrupt the canonical splice site are expected to cause aberrant splicing. In silico splice site analysis predicts that this alteration will weaken the native splice donor site. A resulting transcript is predicted to be in-frame and is not expected to trigger nonsense-mediated mRNA decay; although, direct evidence is unavailable. However, a significant portion of the protein is predicted to be impacted (Ambry internal data). In addition, in an mESC-based assay, this variant demonstrated a loss of function, resulting in a loss of BRCA2 protein expression and an inability to complement loss of Brca2 (Mesman RLS et al. Genet Med. 2020 Aug;22(8):1355-1365). This nucleotide position is highly conserved in available vertebrate species. Based on the majority of available evidence to date, this variant is likely to be pathogenic.

Labcorp Genetics (formerly Invitae), Labcorp
Classification: Likely pathogenic for Hereditary breast ovarian cancer syndrome. Last evaluated: 2023-06-30. Review status: criteria provided, single submitter. Criteria: Invitae Variant Classification Sherloc (09022015). Collection method: clinical testing. Allele origin: germline.
Comment: In summary, the currently available evidence indicates that the variant is pathogenic, but additional data are needed to prove that conclusively. Therefore, this variant has been classified as Likely Pathogenic. Studies have shown that disruption of this splice site is associated with altered splicing resulting in multiple RNA products (PMID: 32398771). This sequence change affects a donor splice site in intron 11 of the BRCA2 gene. It is expected to disrupt RNA splicing. Variants that disrupt the donor or acceptor splice site typically lead to a loss of protein function (PMID: 16199547), and loss-of-function variants in BRCA2 are known to be pathogenic (PMID: 20104584). This variant is present in population databases (rs773863936, gnomAD 0.0009%). Disruption of this splice site has been observed in individual(s) with BRCA2-related conditions (PMID: 21520333, 32438681). ClinVar contains an entry for this variant (Variation ID: 658498). Studies have shown that disruption of this splice site alters BRCA2 gene expression (PMID: 32398771).

Laboratory for Molecular Medicine, Mass General Brigham Personalized Medicine
Classification: Likely pathogenic for Hereditary breast ovarian cancer syndrome. Last evaluated: 2018-07-31. Review status: criteria provided, single submitter. Criteria: LMM Criteria. Collection method: clinical testing. Allele origin: germline. Inheritance: Autosomal dominant inheritance. Observed: 1 variant allele.
Comment: The c.6841+1G>A variant in BRCA2 has not been previously reported in individuals with hereditary breast and ovarian cancer (HBOC) but has been identified in 1/1 11520 European chromosomes by the Genome Aggregation Database (gnomAD; dbSNP rs773863936). The c.6841+1G>A variant occurs in t he invariant region (+/- 1,2) of the splice consensus sequence and is predicted to cause altered splicing leading to an abnormal or absent protein. In vitro fun ctional splicing studies have shown that a different variant at the same nucleot ide position (c.6841+1G>C) causes aberrant splicing that leads to in frame skipp ing in a critical region of exon 11 (Baert 2018), suggesting that variants at th is position are likely to disrupt RNA splicing. In summary, although additional studies are required to fully establish its clinical significance, the c.6841+1 G>A variant is likely pathogenic. ACMG/AMP Criteria Applied: PM2, PM4, PM5, PP3.

Literature cited by the submitters: PubMed 32398771 (cited by Ambry Genetics and Labcorp Genetics (formerly Invitae), Labcorp); PubMed 16199547 (cited by Labcorp Genetics (formerly Invitae), Labcorp); PubMed 20104584 (cited by Labcorp Genetics (formerly Invitae), Labcorp); PubMed 21520333 (cited by Labcorp Genetics (formerly Invitae), Labcorp); PubMed 32438681 (cited by Labcorp Genetics (formerly Invitae), Labcorp); PubMed 29280214 (cited by Laboratory for Molecular Medicine, Mass General Brigham Personalized Medicine).